The following is an entry in ClinVar:

ClinVar aggregate classification (germline): Likely benign (1 of 4 stars; one submission).

Allele frequency attached by ClinVar (database versions not stated): TOPMed 0.00002; gnomAD 0.00003; ExAC 0.00007; 1000 Genomes Project 30x 0.00047; 1000 Genomes Project 0.00060.
gnomAD v4.1: 49 of 1,614,038 alleles (0.003%); highest among the groups gnomAD compares: South Asian, 0.049%; no homozygotes.

Submission:

CeGaT Center for Human Genetics Tuebingen
Classification: Likely benign. Last evaluated: 2026-02-01. Review status: criteria provided, single submitter. Criteria: CeGaT Center For Human Genetics Tuebingen Variant Classification Criteria Version 2. Collection method: clinical testing. Allele origin: germline. Affected: yes. Observed: 1 variant allele.
Comment: NUP160: BP4, BP7

NM_015231.3(NUP160):c.3546C>A (p.Val1182=)

Gene: NUP160 (nucleoporin 160; minus strand). Cytogenetic location: 11p11.2.
Variant type: single nucleotide variant.
Coding change: c.3546C>A on transcript NM_015231.3 (MANE Select); coding-DNA position 3546, C replaced by A.
Protein change: p.Val1182=; no amino-acid change (valine 1182 retained).
Molecular consequence: synonymous variant. On other transcripts: non-coding transcript variant (1).
Genome position (GRCh38, 1-based): chr11:47,788,280, G>T on the plus strand (C>A on the coding strand, the complement: NUP160 is on the minus strand). VCF-style: chr11-47788280-G-T. GRCh37 (hg19) VCF-style: chr11-47809832-G-T.
Identifiers: ClinVar variation 2641769 (VCV002641769.24), dbSNP rs533558791, ClinGen allele CA5980626.
Genomic context (GRCh38, chr11:47,788,280, plus strand): 5'-CTTAAAAGTCTGACAGAGTGATATGGCAGTGTCAAAGAGGCCCGCCTGAACCAAGAGAGT[G>T]ACCATTTCCTCTGCTGATGAACTTCCTGTGAAAATGGAAAAAGATTATTTCGTGTAGCCA-3'
Protein context (NP_056046.2, residues 1172-1192): VAGSSSAEEM[Val1182=]TLLVQAGLFD